The following is an entry in ClinVar:

NM_000260.4(MYO7A):c.1906A>G (p.Ile636Val)

Gene: MYO7A (myosin VIIA; plus strand). Cytogenetic location: 11q13.5.
Variant type: single nucleotide variant.
Coding change: c.1906A>G on transcript NM_000260.4 (MANE Select); coding-DNA position 1906, A replaced by G.
Protein change: p.Ile636Val; replaces isoleucine 636 with valine.
Molecular consequence: missense variant.
Genome position (GRCh38, 1-based): chr11:77,172,856, A>G. VCF-style: chr11-77172856-A-G. GRCh37 (hg19) VCF-style: chr11-76883902-A-G.
Other names: c.1906A>G, p.Ile636Val (NM_001127180.2); c.1873A>G, p.Ile625Val (NM_001369365.1); short protein forms I625V, I636V.
Identifiers: ClinVar variation 1693020 (VCV001693020.4), dbSNP rs374417405, ClinGen allele CA381938567.
Genomic context (GRCh38, chr11:77,172,856, plus strand): 5'-CGGTCACTGGAGCTGCTGATGCGCACGCTGGGTGCCTGCCAGCCCTTCTTTGTGCGATGC[A>G]TCAAGCCCAATGAGTTCAAGAAGCCCATGGTGAGTGGCCCTGGCCTGGGGTTGGCGGGTG-3'
Protein context (NP_000251.3, residues 626-646): GACQPFFVRC[Ile636Val]KPNEFKKPML

ClinVar aggregate classification (germline): Uncertain significance. Review status: criteria provided, multiple submitters, no conflicts (2 of 4 stars). 3 submissions from 3 submitters: Uncertain significance (3). Last evaluated 2025-05-19.

Conditions:
MYO7A-related disorder. Also called: MYO7A-related disorders.

Allele frequency attached by ClinVar (database versions not stated): gnomAD exomes 0.00001; TOPMed 0.00001.

Submissions (3):

PreventionGenetics, part of Exact Sciences
Classification: Uncertain significance for MYO7A-related condition. Last evaluated: 2025-05-19. Review status: criteria provided, single submitter. Criteria: ACMG Guidelines, 2015. Collection method: clinical testing. Allele origin: germline.
Comment: The MYO7A c.1906A>G variant is predicted to result in the amino acid substitution p.Ile636Val. To our knowledge, this variant has not been reported in the literature. This variant is reported in 0.012% of alleles in individuals of African descent in gnomAD. At this time, the clinical significance of this variant is uncertain due to the absence of conclusive functional and genetic evidence.

GeneDx
Classification: Uncertain significance. Last evaluated: 2022-06-27. Review status: criteria provided, single submitter. Criteria: GeneDx Variant Classification Process June 2021. Collection method: clinical testing. Allele origin: germline. Affected: yes.
Comment: In silico analysis supports that this missense variant does not alter protein structure/function; Has not been previously published as pathogenic or benign to our knowledge

Labcorp Genetics (formerly Invitae), Labcorp
Classification: Uncertain significance. Last evaluated: 2021-10-23. Review status: criteria provided, single submitter. Criteria: Invitae Variant Classification Sherloc (09022015). Collection method: clinical testing. Allele origin: germline.
Comment: This sequence change replaces isoleucine with valine at codon 636 of the MYO7A protein (p.Ile636Val). The isoleucine residue is highly conserved and there is a small physicochemical difference between isoleucine and valine. This variant is not present in population databases (ExAC no frequency). This variant has not been reported in the literature in individuals with MYO7A-related conditions. Algorithms developed to predict the effect of missense changes on protein structure and function are either unavailable or do not agree on the potential impact of this missense change (SIFT: "Deleterious"; PolyPhen-2: "Benign"; Align-GVGD: "Class C0"). In summary, the available evidence is currently insufficient to determine the role of this variant in disease. Therefore, it has been classified as a Variant of Uncertain Significance.